The following is an entry in ClinVar:

NM_000214.3(JAG1):c.2090G>A (p.Trp697Ter)

Gene: JAG1 (jagged canonical Notch ligand 1; minus strand). Cytogenetic location: 20p12.2.
Variant type: single nucleotide variant.
Coding change: c.2090G>A on transcript NM_000214.3 (MANE Select); coding-DNA position 2090, G replaced by A.
Protein change: p.Trp697Ter; replaces tryptophan 697 with a stop codon.
Molecular consequence: nonsense.
Genome position (GRCh38, 1-based): chr20:10,645,379, C>T on the plus strand (G>A on the coding strand, the complement: JAG1 is on the minus strand). VCF-style: chr20-10645379-C-T. GRCh37 (hg19) VCF-style: chr20-10626027-C-T.
Other names: short protein forms W697*.
Identifiers: ClinVar variation 4886418 (VCV004886418.2).
Genomic context (GRCh38, chr20:10,645,379, plus strand): 5'-GTCCCAGAGATAGCATCCAAGGCCAACTACCACTTACGTGAGTGGCAGGTCTTTCCTTTC[C>T]ACCCATTTTTACAGTCACAGTAGAAGTCATTGACCAGGTCGCGACACGTGCCCCCATTGT-3'

ClinVar aggregate classification (germline): Likely pathogenic (1 of 4 stars; one submission).

Submission:

Dasa
Classification: Likely pathogenic. Last evaluated: 2026-02-05. Review status: criteria provided, single submitter. Criteria: DASA Assertion Criteria. Collection method: clinical testing. Allele origin: germline.
Comment: NM_000214.3(JAG1):c.2090G>A (p.Trp697*) is a nonsense variant in JAG1 predicted to introduce a premature termination codon and is predicted to result in an absent or altered protein product. Loss of function is an established disease mechanism for JAG1 (PMID: 9585603; PMID: 12497640; PMID: 16575836). Published studies describe this variant in association with related phenotype (PMID: 31343788). Also, this variant is absent from population databases. Based on the currently available evidence, this variant is classified as likely pathogenic.

Literature cited by the submitters: PubMed 31343788; PubMed 9585603; PubMed 12497640; PubMed 16575836.